The following is an entry in ClinVar:

ClinVar aggregate classification (germline): Likely benign. Review status: criteria provided, multiple submitters, no conflicts (2 of 4 stars). 9 submissions from 9 submitters: Likely benign (9). Last evaluated 2026-02-20.

Conditions:
Inborn genetic diseases. Identifiers: MedGen C0950123, MeSH D030342.
Polycystic kidney disease, adult type (PKD1). Also called: POLYCYSTIC KIDNEY DISEASE 1 WITH OR WITHOUT POLYCYSTIC LIVER DISEASE; Polycystic Kidney Disease 1, Autosomal Dominant; Polycystic kidney disease 1; Polycystic kidney disease 1, severe; POLYCYSTIC KIDNEY DISEASE, ADULT, TYPE I; Polycystic Kidney, Autosomal Dominant. Identifiers: MedGen C3149841, MONDO:0008263, OMIM 173900.

Allele frequency attached by ClinVar (database versions not stated): 1000 Genomes Project 0.00060; 1000 Genomes Project 30x 0.00078; gnomAD exomes 0.00099 and 0.00213; TOPMed 0.00102; gnomAD 0.00105 and 0.00110; ExAC 0.00115.

Submissions (9):

Women's Health and Genetics/Laboratory Corporation of America, LabCorp
Classification: Likely benign. Last evaluated: 2026-02-20. Review status: criteria provided, single submitter. Criteria: LabCorp Variant Classification Summary - May 2015. Collection method: clinical testing. Allele origin: germline.
Comment: Variant summary: PKD1 c.739C>T (p.Leu247Phe) results in a non-conservative amino acid change in the encoded protein sequence. Algorithms developed to predict the effect of missense changes on protein structure and function are either unavailable or do not agree on the potential impact of this missense change. The variant allele was found at a frequency of 0.002 in 1532874 control chromosomes, predominantly at a frequency of 0.0026 within the Non-Finnish European subpopulation in the gnomAD database, including 3 homozygotes. The observed variant frequency within Non-Finnish European control individuals in the gnomAD database exceeds the estimated maximal expected allele frequency for disease-causing variants in PKD1. To our knowledge, no occurrence of c.739C>T in individuals affected with PKD1-related conditions and no experimental evidence demonstrating its impact on protein function have been reported. ClinVar contains an entry for this variant (Variation ID: 618817). Based on the evidence outlined above, the variant was classified as likely benign.

CeGaT Center for Human Genetics Tuebingen
Classification: Likely benign. Last evaluated: 2025-09-01. Review status: criteria provided, single submitter. Criteria: CeGaT Center For Human Genetics Tuebingen Variant Classification Criteria Version 2. Collection method: clinical testing. Allele origin: germline. Affected: yes. Observed: 6 variant alleles.
Comment: PKD1: BP4

Mayo Clinic Laboratories, Mayo Clinic
Classification: Likely benign. Last evaluated: 2025-07-22. Review status: criteria provided, single submitter. Criteria: ACMG Guidelines, 2015. Collection method: clinical testing. Allele origin: germline. Observed: 2 variant alleles.
Comment: BS1, BP4_moderate

Blueprint Genetics
Classification: Likely benign. Last evaluated: 2024-11-21. Review status: criteria provided, single submitter. Criteria: ACMG Guidelines, 2015. Collection method: clinical testing. Allele origin: germline.

Ambry Genetics
Classification: Likely benign for Inborn genetic diseases. Last evaluated: 2022-06-09. Review status: criteria provided, single submitter. Criteria: Ambry Variant Classification Scheme 2023. Collection method: clinical testing. Allele origin: germline.

Department of Pathology and Laboratory Medicine, Sinai Health System
Classification: Likely benign for Polycystic kidney disease, adult type. Last evaluated: 2021-02-18. Review status: criteria provided, single submitter. Criteria: ACMG Guidelines, 2015. Collection method: clinical testing. Allele origin: germline. Affected: yes.

GeneDx
Classification: Likely benign. Last evaluated: 2021-02-16. Review status: criteria provided, single submitter. Criteria: GeneDx Variant Classification Process June 2021. Collection method: clinical testing. Allele origin: germline. Affected: yes.
Comment: Has been previously published as a known polymorphic variant in a supplemental table (Rossetti et al., 2012); This variant is associated with the following publications: (PMID: 22383692)

ARUP Laboratories, Molecular Genetics and Genomics, ARUP Laboratories
Classification: Likely benign for Polycystic kidney disease, adult type. Last evaluated: 2018-07-26. Review status: criteria provided, single submitter. Criteria: ARUP Molecular Germline Variant Investigation Process. Collection method: clinical testing. Allele origin: germline.

Breakthrough Genomics
Classification: Likely benign. Review status: criteria provided, single submitter. Criteria: ACMG Guidelines, 2015. Collection method: not provided. Allele origin: germline. Inheritance: Autosomal dominant inheritance. Affected: yes.

Literature cited by the submitters: PubMed 22383692 (cited by Department of Pathology and Laboratory Medicine, Sinai Health System).

NM_001009944.3(PKD1):c.739C>T (p.Leu247Phe)

Gene: PKD1 (polycystin 1, transient receptor potential channel interacting; minus strand). Cytogenetic location: 16p13.3.
Variant type: single nucleotide variant.
Coding change: c.739C>T on transcript NM_001009944.3 (MANE Select); coding-DNA position 739, C replaced by T.
Protein change: p.Leu247Phe; replaces leucine 247 with phenylalanine.
Molecular consequence: missense variant.
Genome position (GRCh38, 1-based): chr16:2,118,253, G>A on the plus strand (C>T on the coding strand, the complement: PKD1 is on the minus strand). VCF-style: chr16-2118253-G-A. GRCh37 (hg19) VCF-style: chr16-2168254-G-A.
Other names: c.739C>T, p.Leu247Phe (NM_000296.4); short protein forms L247F.
Identifiers: ClinVar variation 618817 (VCV000618817.50), dbSNP rs537409943, ClinGen allele CA7833679.